The following is an entry in ClinVar:

ClinVar aggregate classification (germline): Pathogenic. Review status: criteria provided, multiple submitters, no conflicts (2 of 4 stars). 2 submissions from 2 submitters: Pathogenic (2). Last evaluated 2023-02-22.

Conditions:
Xeroderma pigmentosum (XP). Identifiers: Orphanet 910, MedGen C0043346, MONDO:0019600.

Submissions (2):

Labcorp Genetics (formerly Invitae), Labcorp
Classification: Pathogenic. Last evaluated: 2023-02-22. Review status: criteria provided, single submitter. Criteria: Invitae Variant Classification Sherloc (09022015). Collection method: clinical testing. Allele origin: germline.
Comment: For these reasons, this variant has been classified as Pathogenic. This sequence change creates a premature translational stop signal (p.Tyr568*) in the XPC gene. It is expected to result in an absent or disrupted protein product. Loss-of-function variants in XPC are known to be pathogenic (PMID: 23173980, 25256075). This variant is not present in population databases (gnomAD no frequency). This premature translational stop signal has been observed in individual(s) with xeroderma pigmentosum (PMID: 20054342). ClinVar contains an entry for this variant (Variation ID: 928577).

Women's Health and Genetics/Laboratory Corporation of America, LabCorp
Classification: Pathogenic for Xeroderma pigmentosum. Last evaluated: 2019-11-25. Review status: criteria provided, single submitter. Criteria: LabCorp Variant Classification Summary - May 2015. Collection method: clinical testing. Allele origin: germline.
Comment: Variant summary: XPC c.1704T>A (p.Tyr568X) results in a premature termination codon, predicted to cause a truncation of the encoded protein or absence of the protein due to nonsense mediated decay, which are commonly known mechanisms for disease. Truncations downstream of this position have been classified as pathogenic by our laboratory. The variant was absent in 249336 control chromosomes. c.1704T>A has been reported in the literature in individuals affected with Xeroderma pigmentosum (example, Doubaj_2017, Hadj-Rabia_2013, Soufir_2010). These data indicate that the variant may be associated with disease. To our knowledge, no experimental evidence demonstrating an impact on protein function has been reported. No clinical diagnostic laboratories have submitted clinical-significance assessments for this variant to ClinVar after 2014. Based on the evidence outlined above, the variant was classified as pathogenic.

Literature cited by the submitters: PubMed 23173980 (cited by Labcorp Genetics (formerly Invitae), Labcorp); PubMed 25256075 (cited by Labcorp Genetics (formerly Invitae), Labcorp); PubMed 20054342 (cited by Labcorp Genetics (formerly Invitae), Labcorp and Women's Health and Genetics/Laboratory Corporation of America, LabCorp); PubMed 28615033 (cited by Women's Health and Genetics/Laboratory Corporation of America, LabCorp); PubMed 23278166 (cited by Women's Health and Genetics/Laboratory Corporation of America, LabCorp).

NM_004628.5(XPC):c.1704T>A (p.Tyr568Ter)

Gene: XPC (XPC complex subunit, DNA damage recognition and repair factor; minus strand). Cytogenetic location: 3p25.1.
Variant type: single nucleotide variant.
Coding change: c.1704T>A on transcript NM_004628.5 (MANE Select); coding-DNA position 1704, T replaced by A.
Protein change: p.Tyr568Ter; replaces tyrosine 568 with a stop codon.
Molecular consequence: nonsense. On other transcripts: non-coding transcript variant (2), intron variant (1).
Genome position (GRCh38, 1-based): chr3:14,158,179, A>T on the plus strand (T>A on the coding strand, the complement: XPC is on the minus strand). VCF-style: chr3-14158179-A-T. GRCh37 (hg19) VCF-style: chr3-14199679-A-T.
Other names: c.1125T>A, p.Tyr375Ter (NM_001354726.2); c.1704T>A, p.Tyr568Ter (NM_001354727.2); c.1686T>A, p.Tyr562Ter (NM_001354729.2); c.1626+78T>A (NM_001354730.2); short protein forms Y375*, Y562*, Y568*.
Identifiers: ClinVar variation 928577 (VCV000928577.4), dbSNP rs1695999145, ClinGen allele CA351539228.